The following is an entry in ClinVar:

ClinVar aggregate classification (germline): Uncertain significance (1 of 4 stars; one submission).

Submission:

GeneDx
Classification: Uncertain significance. Last evaluated: 2022-12-16. Review status: criteria provided, single submitter. Criteria: GeneDx Variant Classification Process June 2021. Collection method: clinical testing. Allele origin: germline. Affected: yes.
Comment: Not observed at significant frequency in large population cohorts (gnomAD); In silico analysis supports that this missense variant does not alter protein structure/function; Has not been previously published as pathogenic or benign to our knowledge

NM_001330360.2(POLA1):c.2830C>A (p.Leu944Ile)

Gene: POLA1 (DNA polymerase alpha 1, catalytic subunit; plus strand). Cytogenetic location: Xp22.11.
Variant type: single nucleotide variant.
Coding change: c.2830C>A on transcript NM_001330360.2 (MANE Select); coding-DNA position 2830, C replaced by A.
Protein change: p.Leu944Ile; replaces leucine 944 with isoleucine.
Molecular consequence: missense variant. On other transcripts: non-coding transcript variant (2).
Genome position (GRCh38, 1-based): chrX:24,748,449, C>A. VCF-style: chrX-24748449-C-A. GRCh37 (hg19) VCF-style: chrX-24766566-C-A.
Other names: c.2755C>A, p.Leu919Ile (NM_001378303.1); c.2812C>A, p.Leu938Ile (NM_016937.4); short protein forms L919I, L938I, L944I.
Identifiers: ClinVar variation 2505877 (VCV002505877.1), dbSNP rs2518857386, ClinGen allele CA412539263.
Genomic context (GRCh38, chrX:24,748,449, plus strand): 5'-CTGGTAGAACGGAGAAAACAAGTCAAACAGCTAATGAAACAGCAAGACTTAAATCCAGAC[C>A]TTATTCTTCAGGTATATCTTTTCACTAAGAAACATTTGAGTGACAGTCTCAGCTTTTACA-3'
Protein context (NP_001317289.1, residues 934-954): LMKQQDLNPD[Leu944Ile]ILQYDIRQKA